The following is an entry in ClinVar:

ClinVar aggregate classification (germline): Uncertain significance (1 of 4 stars; one submission).

Submission:

Labcorp Genetics (formerly Invitae), Labcorp
Classification: Uncertain significance. Last evaluated: 2025-10-06. Review status: criteria provided, single submitter. Criteria: Invitae Variant Classification Sherloc (09022015). Collection method: clinical testing. Allele origin: germline.
Comment: This sequence change replaces alanine, which is neutral and non-polar, with glycine, which is neutral and non-polar, at codon 94 of the ITGAM protein (p.Ala94Gly). Information on the frequency of this variant in the gnomAD database is not available, as this variant may be reported differently in the database. This variant has not been reported in the literature in individuals affected with ITGAM-related conditions. ClinVar contains an entry for this variant (Variation ID: 2798473). An algorithm developed to predict the effect of missense changes on protein structure and function (PolyPhen-2) suggests that this variant is likely to be disruptive. In summary, the available evidence is currently insufficient to determine the role of this variant in disease. Therefore, it has been classified as a Variant of Uncertain Significance.

NM_000632.4(ITGAM):c.281_282delinsGT (p.Ala94Gly)

Genes: ITGAM (integrin subunit alpha M; plus strand), LOC126862331 (P300/CBP strongly-dependent group 1 enhancer GRCh37_chr16:31276375-31277574; plus strand). Cytogenetic location: 16p11.2.
Variant type: Indel.
Coding change: c.281_282delinsGT on transcript NM_000632.4 (MANE Select); coding-DNA positions 281 to 282, CA replaced by GT.
Protein change: p.Ala94Gly; replaces alanine 94 with glycine.
Molecular consequence: missense variant.
Genome position (GRCh38, 1-based): chr16:31,265,853-31,265,854, CA replaced by GT. VCF-style: chr16-31265853-CA-GT. GRCh37 (hg19) VCF-style: chr16-31277174-CA-GT.
Other names: c.281_282delinsGT, p.Ala94Gly (NM_001145808.2); short protein forms A94G.
Identifiers: ClinVar variation 2798473 (VCV002798473.3), dbSNP rs2544364166, ClinGen allele CA2739266734.